The following is an entry in ClinVar:

ClinVar aggregate classification (germline): Uncertain significance. Review status: criteria provided, multiple submitters, no conflicts (2 of 4 stars). 2 submissions from 2 submitters: Uncertain significance (2). Last evaluated 2023-02-01.

Conditions:
Jeune thoracic dystrophy. Also called: Short-rib thoracic dysplasia; Jeune syndrome; Infantile thoracic dystrophy; Thoracic pelvic phalangeal dystrophy; Jeune's syndrome; Chondroectodermal dysplasia-like syndrome. Identifiers: Orphanet 474, MedGen C0265275, MONDO:0018770.
Inborn genetic diseases. Identifiers: MedGen C0950123, MeSH D030342.

Submissions (2):

Ambry Genetics
Classification: Uncertain significance for Inborn genetic diseases. Last evaluated: 2023-02-01. Review status: criteria provided, single submitter. Criteria: Ambry Variant Classification Scheme 2023. Collection method: clinical testing. Allele origin: germline.

Labcorp Genetics (formerly Invitae), Labcorp
Classification: Uncertain significance for Jeune thoracic dystrophy. Last evaluated: 2019-10-04. Review status: criteria provided, single submitter. Criteria: Invitae Variant Classification Sherloc (09022015). Collection method: clinical testing. Allele origin: germline.
Comment: This sequence change replaces leucine with proline at codon 4051 of the DYNC2H1 protein (p.Leu4051Pro). The leucine residue is highly conserved and there is a moderate physicochemical difference between leucine and proline. This variant is not present in population databases (ExAC no frequency). This variant has not been reported in the literature in individuals with DYNC2H1-related conditions. Algorithms developed to predict the effect of missense changes on protein structure and function (SIFT, PolyPhen-2, Align-GVGD) all suggest that this variant is likely to be disruptive, but these predictions have not been confirmed by published functional studies and their clinical significance is uncertain. In summary, the available evidence is currently insufficient to determine the role of this variant in disease. Therefore, it has been classified as a Variant of Uncertain Significance.

NM_001377.3(DYNC2H1):c.12131T>C (p.Leu4044Pro)

Gene: DYNC2H1 (dynein cytoplasmic 2 heavy chain 1; plus strand). Cytogenetic location: 11q22.3.
Variant type: single nucleotide variant.
Coding change: c.12131T>C on transcript NM_001377.3 (MANE Select); coding-DNA position 12131, T replaced by C.
Protein change: p.Leu4044Pro; replaces leucine 4044 with proline.
Molecular consequence: missense variant.
Genome position (GRCh38, 1-based): chr11:103,358,334, T>C. VCF-style: chr11-103358334-T-C. GRCh37 (hg19) VCF-style: chr11-103229062-T-C.
Other names: c.12152T>C, p.Leu4051Pro (NM_001080463.2); short protein forms L4044P, L4051P.
Identifiers: ClinVar variation 956863 (VCV000956863.3), dbSNP rs1940457627, ClinGen allele CA382259843.